The following is an entry in ClinVar:

NM_004994.3(MMP9):c.206C>T (p.Pro69Leu)

Gene: MMP9 (matrix metallopeptidase 9; plus strand). Cytogenetic location: 20q13.12.
Variant type: single nucleotide variant.
Coding change: c.206C>T on transcript NM_004994.3 (MANE Select); coding-DNA position 206, C replaced by T.
Protein change: p.Pro69Leu; replaces proline 69 with leucine.
Molecular consequence: missense variant.
Genome position (GRCh38, 1-based): chr20:46,009,933, C>T. VCF-style: chr20-46009933-C-T. GRCh37 (hg19) VCF-style: chr20-44638572-C-T.
Other names: short protein forms P69L.
Identifiers: ClinVar variation 898780 (VCV000898780.12), dbSNP rs1489372682, ClinGen allele CA409211828.

ClinVar aggregate classification (germline): Uncertain significance. Review status: criteria provided, multiple submitters, no conflicts (2 of 4 stars). 2 submissions from 2 submitters: Uncertain significance (2). Last evaluated 2022-08-16.

Conditions:
Metaphyseal anadysplasia 2 (MANDP2). Also called: Metaphyseal anadysplasia 2, autosomal recessive. Identifiers: Orphanet 1040, MedGen C2751322, MONDO:0013113, OMIM 613073.

Allele frequency attached by ClinVar (database versions not stated): gnomAD exomes 0.00001 and 0.00003; TOPMed 0.00002.
gnomAD v4.1: 4 of 1,552,202 alleles (0.00026%); highest among the groups gnomAD compares: Admixed American, 0.0078%; no homozygotes.

Submissions (2):

Labcorp Genetics (formerly Invitae), Labcorp
Classification: Uncertain significance. Last evaluated: 2022-08-16. Review status: criteria provided, single submitter. Criteria: Invitae Variant Classification Sherloc (09022015). Collection method: clinical testing. Allele origin: germline.
Comment: This sequence change replaces proline, which is neutral and non-polar, with leucine, which is neutral and non-polar, at codon 69 of the MMP9 protein (p.Pro69Leu). This variant is present in population databases (no rsID available, gnomAD 0.02%). This variant has not been reported in the literature in individuals affected with MMP9-related conditions. ClinVar contains an entry for this variant (Variation ID: 898780). Algorithms developed to predict the effect of missense changes on protein structure and function (SIFT, PolyPhen-2, Align-GVGD) all suggest that this variant is likely to be tolerated. In summary, the available evidence is currently insufficient to determine the role of this variant in disease. Therefore, it has been classified as a Variant of Uncertain Significance.

Illumina Laboratory Services, Illumina
Classification: Uncertain significance for Metaphyseal anadysplasia 2. Last evaluated: 2018-01-12. Review status: criteria provided, single submitter. Criteria: ICSL Variant Classification Criteria 13 December 2019. Collection method: clinical testing. Allele origin: germline.